The following is an entry in ClinVar:

NM_015631.6(TCTN3):c.1164dup (p.Lys389fs)

Gene: TCTN3 (tectonic family member 3; minus strand). Cytogenetic location: 10q24.1.
Variant type: Duplication.
Coding change: c.1164dup on transcript NM_015631.6 (MANE Select); coding-DNA position 1164, one base duplicated (G; older notation c.1164dupG).
Protein change: p.Lys389fs; shifts the reading frame from lysine 389.
Molecular consequence: frameshift variant.
Genome position (GRCh38, 1-based): chr10:95,683,561, C duplicated on the plus strand (G on the coding strand, the reverse complement: TCTN3 is on the minus strand); the first of 3 consecutive C bases (chr10:95,683,561-95,683,563); duplicating any one gives the same sequence. VCF-style (leftmost placement, unchanged base first): chr10-95683560-T-TC. GRCh37 (hg19) VCF-style: chr10-97443317-T-TC.
Other names: c.1216dup, p.Lys407Glufs (NM_001013840.1); c.720dup, p.Lys241fs (NM_001143973.2); c.1081dup, p.Lys362Glufs (NM_001410982.1); short protein forms K241fs, K389fs.
Identifiers: ClinVar variation 2193739 (VCV002193739.5), dbSNP rs763557318, ClinGen allele CA5620933.
Genomic context (GRCh38, chr10:95,683,560, plus strand): 5'-CACCCAGCTCTAAAAAGGATACTGAGTAACTTATATCATCAGTCAGAGCCAAGAGTGGCT[T>TC]CCCAACTATATAGCCAGGATTCCCACTTCTAGGACTGGTGAGAGAAGCAGCTGTGCTCTG-3'

ClinVar aggregate classification (germline): Pathogenic/Likely pathogenic. Review status: criteria provided, multiple submitters, no conflicts (2 of 4 stars). 2 submissions from 2 submitters: Pathogenic (1); Likely pathogenic (1). Last evaluated 2024-02-03.

Conditions:
Joubert syndrome 18 (JBTS18). Identifiers: Orphanet 2754, MedGen C3553758, MONDO:0013896, OMIM 614815.
Orofacial-digital syndrome IV (OFD4). Also called: BARAITSER-BURN SYNDROME; Orofaciodigital syndrome IV; MOHR-MAJEWSKI SYNDROME; OFD SYNDROME WITH TIBIAL DEFECTS; OFD SYNDROME, BARAITSER-BURN TYPE; OFDS IV. Identifiers: Orphanet 2753, MedGen C0406727, MONDO:0009794, OMIM 258860.
TCTN3-related disorder. Also called: TCTN3-related condition.

Submissions (2):

Labcorp Genetics (formerly Invitae), Labcorp
Classification: Pathogenic for Joubert syndrome 18; Orofacial-digital syndrome IV. Last evaluated: 2024-02-03. Review status: criteria provided, single submitter. Criteria: Invitae Variant Classification Sherloc (09022015). Collection method: clinical testing. Allele origin: germline.
Comment: This sequence change creates a premature translational stop signal (p.Lys389Glufs*8) in the TCTN3 gene. It is expected to result in an absent or disrupted protein product. Loss-of-function variants in TCTN3 are known to be pathogenic (PMID: 2692869, 22883145, 25118024). This variant is present in population databases (rs763557318, gnomAD 0.006%). This variant has not been reported in the literature in individuals affected with TCTN3-related conditions. ClinVar contains an entry for this variant (Variation ID: 2193739). For these reasons, this variant has been classified as Pathogenic.

Blueprint Genetics
Classification: Likely pathogenic for TCTN3-related disorders. Last evaluated: 2018-12-17. Review status: criteria provided, single submitter. Criteria: ACMG Guidelines, 2015. Collection method: clinical testing. Allele origin: germline. Affected: yes. Observed: 2 variant alleles.

Literature cited by the submitters: PubMed 2692869 (cited by Labcorp Genetics (formerly Invitae), Labcorp); PubMed 22883145 (cited by Labcorp Genetics (formerly Invitae), Labcorp); PubMed 25118024 (cited by Labcorp Genetics (formerly Invitae), Labcorp).